The following is an entry in ClinVar:

ClinVar aggregate classification (germline): Uncertain significance (1 of 4 stars; one submission).

Conditions:
Cardiovascular phenotype. Identifiers: MedGen CN230736.
Hereditary cancer-predisposing syndrome. Also called: Hereditary Cancer Syndrome; Hereditary neoplastic syndrome; Neoplastic Syndromes, Hereditary; Tumor predisposition. Identifiers: Orphanet 140162, MedGen C0027672, MeSH D009386, MONDO:0015356.

Submission:

Ambry Genetics
Classification: Uncertain significance for Cardiovascular phenotype; Hereditary cancer-predisposing syndrome. Last evaluated: 2022-01-15. Review status: criteria provided, single submitter. Criteria: Ambry Variant Classification Scheme 2023. Collection method: clinical testing. Allele origin: germline.
Comment: The p.I513F variant (also known as c.1537A>T), located in coding exon 14 of the LZTR1 gene, results from an A to T substitution at nucleotide position 1537. The isoleucine at codon 513 is replaced by phenylalanine, an amino acid with highly similar properties. This amino acid position is conserved. In addition, the in silico prediction for this alteration is inconclusive. Since supporting evidence is limited at this time, the clinical significance of this alteration remains unclear.

NM_006767.4(LZTR1):c.1537A>T (p.Ile513Phe)

Gene: LZTR1 (leucine zipper like post translational regulator 1; plus strand). Cytogenetic location: 22q11.21.
Variant type: single nucleotide variant.
Coding change: c.1537A>T on transcript NM_006767.4 (MANE Select); coding-DNA position 1537, A replaced by T.
Protein change: p.Ile513Phe; replaces isoleucine 513 with phenylalanine.
Molecular consequence: missense variant.
Genome position (GRCh38, 1-based): chr22:20,994,191, A>T. VCF-style: chr22-20994191-A-T. GRCh37 (hg19) VCF-style: chr22-21348480-A-T.
Other names: short protein forms I513F.
Identifiers: ClinVar variation 1774736 (VCV001774736.2), dbSNP rs2518620962, ClinGen allele CA410775794.